The following is an entry in ClinVar:

NM_015836.4(WARS2):c.712G>A (p.Val238Ile)

Gene: WARS2 (tryptophanyl tRNA synthetase 2, mitochondrial; minus strand). Cytogenetic location: 1p12.
Variant type: single nucleotide variant.
Coding change: c.712G>A on transcript NM_015836.4 (MANE Select); coding-DNA position 712, G replaced by A.
Protein change: p.Val238Ile; replaces valine 238 with isoleucine.
Molecular consequence: missense variant. On other transcripts: 3 prime UTR variant (2).
Genome position (GRCh38, 1-based): chr1:119,033,282, C>T on the plus strand (G>A on the coding strand, the complement: WARS2 is on the minus strand). VCF-style: chr1-119033282-C-T. GRCh37 (hg19) VCF-style: chr1-119575905-C-T.
Other names: c.643G>A, p.Val215Ile (NM_001378226.1, NM_001378227.1); c.541G>A, p.Val181Ile (NM_001378228.1); c.454G>A, p.Val152Ile (NM_001378229.1); c.430G>A, p.Val144Ile (NM_001378230.1); c.*47G>A (NM_001378231.1); c.*78G>A (NM_201263.2); short protein forms V152I, V181I, V238I, V144I, V215I.
Identifiers: ClinVar variation 2095269 (VCV002095269.4), dbSNP rs1300524106, ClinGen allele CA341436783.

ClinVar aggregate classification (germline): Uncertain significance (1 of 4 stars; one submission).

gnomAD v4.1: 4 of 1,614,226 alleles (0.00025%); highest among the groups gnomAD compares: Non-Finnish European, 0.00034%; no homozygotes.

Submission:

Labcorp Genetics (formerly Invitae), Labcorp
Classification: Uncertain significance. Last evaluated: 2022-02-09. Review status: criteria provided, single submitter. Criteria: Invitae Variant Classification Sherloc (09022015). Collection method: clinical testing. Allele origin: germline.
Comment: This sequence change replaces valine, which is neutral and non-polar, with isoleucine, which is neutral and non-polar, at codon 238 of the WARS2 protein (p.Val238Ile). This variant is present in population databases (no rsID available, gnomAD 0.0009%). This variant has not been reported in the literature in individuals affected with WARS2-related conditions. Algorithms developed to predict the effect of missense changes on protein structure and function output the following: SIFT: "Tolerated"; PolyPhen-2: "Benign"; Align-GVGD: "Class C0". The isoleucine amino acid residue is found in multiple mammalian species, which suggests that this missense change does not adversely affect protein function. In summary, the available evidence is currently insufficient to determine the role of this variant in disease. Therefore, it has been classified as a Variant of Uncertain Significance.